The following is an entry in ClinVar:

ClinVar aggregate classification (germline): Benign. Review status: criteria provided, multiple submitters, no conflicts (2 of 4 stars). 3 submissions from 3 submitters: Benign (3). Last evaluated 2024-07-15.

Allele frequency attached by ClinVar (database versions not stated): 1000 Genomes Project 30x 0.26156; 1000 Genomes Project 0.26198; TOPMed 0.27565.
gnomAD v4.1: 347,757 of 1,281,762 alleles (27%); highest among the groups gnomAD compares: Middle Eastern, 36%; 49,538 homozygotes.

Submissions (3):

Unidad de Genómica Garrahan, Hospital de Pediatría Garrahan
Classification: Benign. Last evaluated: 2024-07-15. Review status: criteria provided, single submitter. Criteria: ACMG Guidelines, 2015. Collection method: clinical testing. Allele origin: germline. Affected: no. Observed: 37 variant alleles.
Comment: This variant is classified as Benign based on local population frequency. This variant was detected in 40% of patients studied in a panel designed for Epileptic and Developmental Encephalopathy and Progressive Myoclonus Epilepsy. Number of patients: 37. Only high quality variants are reported.

GeneDx
Classification: Benign. Last evaluated: 2018-06-14. Review status: criteria provided, single submitter. Criteria: GeneDx Variant Classification (06012015). Collection method: clinical testing. Allele origin: germline. Affected: yes.
Comment: This variant is considered likely benign or benign based on one or more of the following criteria: it is a conservative change, it occurs at a poorly conserved position in the protein, it is predicted to be benign by multiple in silico algorithms, and/or has population frequency not consistent with disease.

Breakthrough Genomics
Classification: Benign. Review status: criteria provided, single submitter. Criteria: ACMG Guidelines, 2015. Collection method: not provided. Allele origin: germline. Inheritance: Autosomal dominant inheritance. Affected: yes.

NM_020822.3(KCNT1):c.492-86C>T

Gene: KCNT1 (potassium sodium-activated channel subfamily T member 1; plus strand). Cytogenetic location: 9q34.3.
Variant type: single nucleotide variant.
Coding change: c.492-86C>T on transcript NM_020822.3 (MANE Select); 86 bases into the intron before coding-DNA position 492, C replaced by T.
Molecular consequence: intron variant.
Genome position (GRCh38, 1-based): chr9:135,755,035, C>T. VCF-style: chr9-135755035-C-T. GRCh37 (hg19) VCF-style: chr9-138646881-C-T.
Other names: c.348-86C>T (NM_001272003.2).
Identifiers: ClinVar variation 682077 (VCV000682077.4), dbSNP rs4842032, ClinGen allele CA15606451.